The following is an entry in ClinVar:

ClinVar aggregate classification (germline): Benign. Review status: criteria provided, multiple submitters, no conflicts (2 of 4 stars). 4 submissions from 4 submitters: Benign (3). 1 of the submissions does not count toward it. Last evaluated 2026-01-28.

Conditions:
IL6ST-related disorder. Also called: IL6ST-related condition.

Allele frequency attached by ClinVar (database versions not stated): gnomAD exomes 0.00298 and 0.00845; ExAC 0.01022; gnomAD 0.03366 and 0.03625; 1000 Genomes Project 0.03375; 1000 Genomes Project 30x 0.03498; TOPMed 0.03804; ESP Exome Variant Server 0.03969.
gnomAD v4.1: 9,734 of 1,600,328 alleles (0.61%); highest among the groups gnomAD compares: African/African-American, 11%; 532 homozygotes.

Submissions (4):

Labcorp Genetics (formerly Invitae), Labcorp
Classification: Benign. Last evaluated: 2026-01-28. Review status: criteria provided, single submitter. Criteria: Invitae Variant Classification Sherloc (09022015). Collection method: clinical testing. Allele origin: germline.

Women's Health and Genetics/Laboratory Corporation of America, LabCorp
Classification: Benign. Last evaluated: 2026-01-21. Review status: criteria provided, single submitter. Criteria: LabCorp Variant Classification Summary - May 2015. Collection method: clinical testing. Allele origin: germline.

Breakthrough Genomics
Classification: Benign. Review status: criteria provided, single submitter. Criteria: ACMG Guidelines, 2015. Collection method: not provided. Allele origin: germline. Inheritance: Autosomal recessive inheritance. Affected: yes.

PreventionGenetics, part of Exact Sciences
Classification: Benign for IL6ST-related condition. Last evaluated: 2020-01-27. Review status: no assertion criteria provided. Collection method: clinical testing. Allele origin: germline. Not counted in ClinVar's aggregate classification.
Comment: This variant is classified as benign based on ACMG/AMP sequence variant interpretation guidelines (Richards et al. 2015 PMID: 25741868, with internal and published modifications).

NM_002184.4(IL6ST):c.453A>G (p.Glu151=)

Gene: IL6ST (interleukin 6 cytokine family signal transducer; minus strand). Cytogenetic location: 5q11.2.
Variant type: single nucleotide variant.
Coding change: c.453A>G on transcript NM_002184.4 (MANE Select); coding-DNA position 453, A replaced by G.
Protein change: p.Glu151=; no amino-acid change (glutamic acid 151 retained).
Molecular consequence: synonymous variant. On other transcripts: non-coding transcript variant (2), intron variant (3).
Genome position (GRCh38, 1-based): chr5:55,968,314, T>C on the plus strand (A>G on the coding strand, the complement: IL6ST is on the minus strand). VCF-style: chr5-55968314-T-C. GRCh37 (hg19) VCF-style: chr5-55264142-T-C.
Other names: c.453A>G, p.Glu151= (NM_001190981.2, NM_001364275.2, NM_175767.3); c.243A>G, p.Glu81= (NM_001364276.2); c.-423+1236A>G (NM_001364279.2, NM_001364277.2); c.-413+1236A>G (NM_001364278.2); c.453A>G (NM_002184.3).
Identifiers: ClinVar variation 1167696 (VCV001167696.13), dbSNP rs2228045, ClinGen allele CA3271701.
Genomic context (GRCh38, chr5:55,968,314, plus strand): 5'-AAACAAATTTAAAATAACGTACCATTCAGATTTTAAAGTGAAGTTTGTCTCCAAGTGTGT[T>C]TCCCTTCCACCATCCCACTCACACCTCATTTTCTTCCCCTCGTTCACAATGCAACTCAAA-3'
Protein context (NP_002175.2, residues 141-161): KMRCEWDGGR[Glu151=]THLETNFTLK